The following is an entry in ClinVar:

NM_206933.4(USH2A):c.5891G>A (p.Arg1964His)

Gene: USH2A (usherin; minus strand). Cytogenetic location: 1q41.
Variant type: single nucleotide variant.
Coding change: c.5891G>A on transcript NM_206933.4 (MANE Select); coding-DNA position 5891, G replaced by A.
Protein change: p.Arg1964His; replaces arginine 1964 with histidine.
Molecular consequence: missense variant.
Genome position (GRCh38, 1-based): chr1:216,070,259, C>T on the plus strand (G>A on the coding strand, the complement: USH2A is on the minus strand). VCF-style: chr1-216070259-C-T. GRCh37 (hg19) VCF-style: chr1-216243601-C-T.
Other names: short protein forms R1964H.
Identifiers: ClinVar variation 860339 (VCV000860339.16), dbSNP rs149465057, ClinGen allele CA1395300.
Genomic context (GRCh38, chr1:216,070,259, plus strand): 5'-ATTACACCTCTGACAACAGGTTCATCCCAGGTCACCTCAATGCTGTATCCATTTAAGCTG[C>T]GGACTCTTGAGGGAGTTGGCACACTTTGTGGAGCTGTGAAGGAATAAAAGAGAAAATAGG-3'
Protein context (NP_996816.3, residues 1954-1974): PQSVPTPSRV[Arg1964His]SLNGYSIEVT

ClinVar aggregate classification (germline): Conflicting classifications of pathogenicity. Review status: criteria provided, conflicting classifications (1 of 4 stars). 5 submissions from 5 submitters: Uncertain significance (4); Likely benign (1). Last evaluated 2026-07-28.

Conditions:
Inborn genetic diseases. Identifiers: MedGen C0950123, MeSH D030342.
USH2A-related disorder. Also called: USH2A-related condition; USH2A-related disorders. Identifiers: MedGen CN239332.

Allele frequency attached by ClinVar (database versions not stated): TOPMed 0.00014; ESP Exome Variant Server 0.00015; 1000 Genomes Project 0.00060; 1000 Genomes Project 30x 0.00078.
gnomAD v4.1: 69 of 1,613,902 alleles (0.0043%); highest among the groups gnomAD compares: African/African-American, 0.059%; no homozygotes.

Submissions (5):

GeneDx
Classification: Uncertain significance. Last evaluated: 2026-07-28. Review status: criteria provided, single submitter. Criteria: GeneDx Variant Classification Process June 2021. Collection method: clinical testing. Allele origin: germline.
Comment: In silico analysis suggests that this missense variant does not alter protein structure/function; Has not been previously published as pathogenic or benign to our knowledge

Labcorp Genetics (formerly Invitae), Labcorp
Classification: Likely benign. Last evaluated: 2026-01-25. Review status: criteria provided, single submitter. Criteria: Invitae Variant Classification Sherloc (09022015). Collection method: clinical testing. Allele origin: germline.

PreventionGenetics, part of Exact Sciences
Classification: Uncertain significance for USH2A-related condition. Last evaluated: 2025-12-29. Review status: criteria provided, single submitter. Criteria: ACMG Guidelines, 2015. Collection method: clinical testing. Allele origin: germline.
Comment: The USH2A c.5891G>A variant is predicted to result in the amino acid substitution p.Arg1964His. To our knowledge, this variant has not been reported in the literature. This variant is reported in 0.064% of alleles in individuals of African descent in gnomAD, which may be too frequent to be a primary cause of disease. Although we suspect that this variant may be benign, at this time, the clinical significance of this variant is uncertain due to the absence of conclusive functional and genetic evidence.

Blueprint Genetics
Classification: Uncertain significance. Last evaluated: 2023-09-01. Review status: criteria provided, single submitter. Criteria: ACMG Guidelines, 2015. Collection method: clinical testing. Allele origin: germline.

Ambry Genetics
Classification: Uncertain significance for Inborn genetic diseases. Last evaluated: 2021-08-12. Review status: criteria provided, single submitter. Criteria: Ambry Variant Classification Scheme 2023. Collection method: clinical testing. Allele origin: germline.